The following is an entry in ClinVar:

NM_017999.5(RNF31):c.2821C>T (p.Arg941Trp)

Gene: RNF31 (ring finger protein 31; plus strand). Cytogenetic location: 14q12.
Variant type: single nucleotide variant.
Coding change: c.2821C>T on transcript NM_017999.5 (MANE Select); coding-DNA position 2821, C replaced by T.
Protein change: p.Arg941Trp; replaces arginine 941 with tryptophan.
Molecular consequence: missense variant.
Genome position (GRCh38, 1-based): chr14:24,157,991, C>T. VCF-style: chr14-24157991-C-T. GRCh37 (hg19) VCF-style: chr14-24627200-C-T.
Other names: c.2368C>T, p.Arg790Trp (NM_001310332.2); short protein forms R941W, R790W.
Identifiers: ClinVar variation 1370444 (VCV001370444.6), dbSNP rs1225276994, ClinGen allele CA389307034.

ClinVar aggregate classification (germline): Uncertain significance (1 of 4 stars; one submission).

Allele frequency attached by ClinVar (database versions not stated): gnomAD exomes below 0.00001 and 0.00001; TOPMed 0.00001.
gnomAD v4.1: 8 of 1,614,108 alleles (0.0005%); highest among the groups gnomAD compares: South Asian, 0.0011%; no homozygotes.

Submission:

Labcorp Genetics (formerly Invitae), Labcorp
Classification: Uncertain significance. Last evaluated: 2025-01-01. Review status: criteria provided, single submitter. Criteria: Invitae Variant Classification Sherloc (09022015). Collection method: clinical testing. Allele origin: germline.
Comment: This sequence change replaces arginine, which is basic and polar, with tryptophan, which is neutral and slightly polar, at codon 941 of the RNF31 protein (p.Arg941Trp). The frequency data for this variant in the population databases is considered unreliable, as metrics indicate poor data quality at this position in the gnomAD database. This variant has not been reported in the literature in individuals affected with RNF31-related conditions. ClinVar contains an entry for this variant (Variation ID: 1370444). An algorithm developed to predict the effect of missense changes on protein structure and function (PolyPhen-2) suggests that this variant is likely to be disruptive. In summary, the available evidence is currently insufficient to determine the role of this variant in disease. Therefore, it has been classified as a Variant of Uncertain Significance.